The following is an entry in ClinVar:

GRCh38/hg38 16p13.12-12.3(chr16:15034129-16187150)

Genes: CEP20 (centrosomal protein 20; minus strand), ABCC1 (ATP binding cassette subfamily C member 1 (ABCC1 blood group); plus strand), ABCC6 (ATP binding cassette subfamily C member 6; minus strand), BMERB1 (bMERB domain containing 1; plus strand), MARF1 (meiosis regulator and mRNA stability factor 1; minus strand) and 55 more. Cytogenetic location: 16p13.12-12.3.
Variant type: copy number gain.
Identifiers: ClinVar variation 3235935 (VCV003235935.1).

ClinVar aggregate classification (germline): Likely pathogenic (1 of 4 stars; one submission).

Conditions:
16p13.11 microduplication syndrome. Identifiers: Orphanet 261243, MedGen C4304595, MONDO:0016837.

Submission:

New York Genome Center
Classification: Likely pathogenic for 16p13.11 microduplication syndrome. Last evaluated: 2021-09-09. Review status: criteria provided, single submitter. Criteria: NYGC Assertion Criteria 2020. Collection method: clinical testing. Allele origin: de novo. Observed: 1 variant allele. Study: PrenatalSEQ.
Comment: The de novo 16p13.11 copy number gain identified on the short arm of chromosome 16 is associated with a recurrent microduplication syndrome. This duplication is curated by ClinGen Dosage Sensitivity Working Group and given a Triplosensitivity Score of 2 [. n/ISCA-37415]. This duplication does contain genes MARF1, NDE1, MYH11 and FOPNL, which are often considered the smallest region of overlap for recurrent variation in the 16p13 region. The de novo 16p13.11 duplication is classified here as Likely Pathogenic.